The following is an entry in ClinVar:

NC_000011.9:g.(?_108150557)_(108153493_?)del

Gene: ATM (ATM serine/threonine kinase; plus strand). Cytogenetic location: 11q22.3.
Variant type: Deletion.
Identifiers: ClinVar variation 1497690 (VCV001497690.4).

ClinVar aggregate classification (germline): Likely pathogenic (1 of 4 stars; one submission).

Conditions:
Ataxia-telangiectasia syndrome (AT). Also called: Cerebello-oculocutaneous telangiectasia; Immunodeficiency with ataxia telangiectasia; AT, COMPLEMENTATION GROUP C; ATAXIA-TELANGIECTASIA, COMPLEMENTATION GROUP A; ATAXIA-TELANGIECTASIA, FRESNO VARIANT; LOUIS-BAR SYNDROME. Identifiers: Orphanet 100, MedGen C0004135, MONDO:0008840, OMIM 208900.

Submission:

Labcorp Genetics (formerly Invitae), Labcorp
Classification: Likely pathogenic for Ataxia-telangiectasia syndrome. Last evaluated: 2021-03-17. Review status: criteria provided, single submitter. Criteria: Invitae Variant Classification Sherloc (09022015). Collection method: clinical testing. Allele origin: germline.
Comment: In summary, the currently available evidence indicates that the variant is pathogenic, but additional data are needed to prove that conclusively. Therefore, this variant has been classified as Likely Pathogenic. This variant has not been reported in the literature in individuals with ATM-related conditions. This variant results in the deletion of exon 24 and part of exon 25 (c.3402+222_3632delinsTGAGTTTTTATGGG) of the ATM gene. It is expected to disrupt RNA splicing. Variants that disrupt the donor or acceptor splice site typically lead to a loss of protein function (PMID: 16199547), and loss-of-function variants in ATM are known to be pathogenic (PMID: 23807571, 25614872).

Literature cited by the submitters: PubMed 16199547; PubMed 23807571; PubMed 25614872.